The following is an entry in ClinVar:

NM_002617.4(PEX10):c.729G>C (p.Gln243His)

Gene: PEX10 (peroxisomal biogenesis factor 10; minus strand). Cytogenetic location: 1p36.32.
Variant type: single nucleotide variant.
Coding change: c.729G>C on transcript NM_002617.4 (MANE Select); coding-DNA position 729, G replaced by C.
Protein change: p.Gln243His; replaces glutamine 243 with histidine.
Molecular consequence: missense variant. On other transcripts: non-coding transcript variant (1).
Genome position (GRCh38, 1-based): chr1:2,406,767, C>G on the plus strand (G>C on the coding strand, the complement: PEX10 is on the minus strand). VCF-style: chr1-2406767-C-G. GRCh37 (hg19) VCF-style: chr1-2338206-C-G.
Other names: c.786G>C, p.Gln262His (NM_001374425.1); c.354G>C, p.Gln118His (NM_001374426.1); c.297G>C, p.Gln99His (NM_001374427.1); c.789G>C, p.Gln263His (NM_153818.2); short protein forms Q262H, Q243H, Q118H, Q263H, Q99H.
Identifiers: ClinVar variation 1438831 (VCV001438831.6), dbSNP rs2100422638, ClinGen allele CA337985242.

ClinVar aggregate classification (germline): Uncertain significance (1 of 4 stars; one submission).

Conditions:
Peroxisome biogenesis disorder, complementation group 7 (CG7). Also called: Peroxisome biogenesis disorder, complementation group B. Identifiers: MedGen C1864399.

Allele frequency attached by ClinVar (database versions not stated): gnomAD exomes below 0.00001.
gnomAD v4.1: 1 of 1,609,648 alleles (0.000062%); highest among the groups gnomAD compares: African/African-American, 0.0013%; no homozygotes.

Submission:

Labcorp Genetics (formerly Invitae), Labcorp
Classification: Uncertain significance for Peroxisome biogenesis disorder, complementation group 7. Last evaluated: 2024-10-15. Review status: criteria provided, single submitter. Criteria: Invitae Variant Classification Sherloc (09022015). Collection method: clinical testing. Allele origin: germline.
Comment: This sequence change replaces glutamine, which is neutral and polar, with histidine, which is basic and polar, at codon 263 of the PEX10 protein (p.Gln263His). This variant is not present in population databases (gnomAD no frequency). This variant has not been reported in the literature in individuals affected with PEX10-related conditions. ClinVar contains an entry for this variant (Variation ID: 1438831). An algorithm developed to predict the effect of missense changes on protein structure and function (PolyPhen-2) suggests that this variant is likely to be disruptive. In summary, the available evidence is currently insufficient to determine the role of this variant in disease. Therefore, it has been classified as a Variant of Uncertain Significance.